The following is an entry in ClinVar:

ClinVar aggregate classification (germline): Likely pathogenic (0 of 4 stars; one submission).

Conditions:
IL6ST-related disorder. Also called: IL6ST-related condition.

gnomAD v4.1: 1 of 1,579,420 alleles (0.000063%); highest among the groups gnomAD compares: Non-Finnish European, 0.000086%; no homozygotes.

Submission:

PreventionGenetics, part of Exact Sciences
Classification: Likely pathogenic for IL6ST-related condition. Last evaluated: 2024-07-12. Review status: no assertion criteria provided. Collection method: clinical testing. Allele origin: germline.
Comment: The IL6ST c.491+1G>A variant is predicted to disrupt the GT donor site and interfere with normal splicing. To our knowledge, this variant has not been reported in the literature. This variant is reported in 0.00095% of alleles in individuals of European (Non-Finnish) descent in gnomAD. Variants that disrupt the consensus splice donor site in IL6ST are expected to be pathogenic. This variant is interpreted as likely pathogenic.

NM_002184.4(IL6ST):c.491+1G>A

Gene: IL6ST (interleukin 6 cytokine family signal transducer; minus strand). Cytogenetic location: 5q11.2.
Variant type: single nucleotide variant.
Coding change: c.491+1G>A on transcript NM_002184.4 (MANE Select); the canonical splice donor site of the intron after coding-DNA position 491, G replaced by A.
Molecular consequence: splice donor variant. On other transcripts: intron variant (3).
Genome position (GRCh38, 1-based): chr5:55,968,275, C>T on the plus strand (G>A on the coding strand, the complement: IL6ST is on the minus strand). VCF-style: chr5-55968275-C-T. GRCh37 (hg19) VCF-style: chr5-55264103-C-T.
Other names: c.281+1G>A (NM_001364276.2); c.-423+1275G>A (NM_001364279.2, NM_001364277.2); c.-413+1275G>A (NM_001364278.2); c.491+1G>A (NM_175767.3, NM_001190981.2, NM_001364275.2).
Identifiers: ClinVar variation 3354217 (VCV003354217.1).